The following is an entry in ClinVar:

NM_020987.5(ANK3):c.3575T>A (p.Ile1192Asn)

Gene: ANK3 (ankyrin 3; minus strand). Cytogenetic location: 10q21.2.
Variant type: single nucleotide variant.
Coding change: c.3575T>A on transcript NM_020987.5 (MANE Select); coding-DNA position 3575, T replaced by A.
Protein change: p.Ile1192Asn; replaces isoleucine 1192 with asparagine.
Molecular consequence: missense variant.
Genome position (GRCh38, 1-based): chr10:60,086,850, A>T on the plus strand (T>A on the coding strand, the complement: ANK3 is on the minus strand). VCF-style: chr10-60086850-A-T. GRCh37 (hg19) VCF-style: chr10-61846608-A-T.
Other names: c.977T>A, p.Ile326Asn (NM_001149.4); c.3557T>A, p.Ile1186Asn (NM_001204403.2); c.3578T>A, p.Ile1193Asn (NM_001204404.2); c.3575T>A, p.Ile1192Asn (NM_001320874.2); short protein forms I1186N, I1192N, I1193N, I326N.
Identifiers: ClinVar variation 385147 (VCV000385147.4), dbSNP rs747872965, ClinGen allele CA5512442.

ClinVar aggregate classification (germline): Uncertain significance. Review status: criteria provided, multiple submitters, no conflicts (2 of 4 stars). 2 submissions from 2 submitters: Uncertain significance (2). Last evaluated 2026-08-06.

Conditions:
Inborn genetic diseases. Identifiers: MedGen C0950123, MeSH D030342.

Allele frequency attached by ClinVar (database versions not stated): ExAC 0.00001; gnomAD exomes below 0.00001; TOPMed 0.00001.
gnomAD v4.1: 8 of 1,613,042 alleles (0.0005%); highest among the groups gnomAD compares: South Asian, 0.0011%; no homozygotes.

Submissions (2):

GeneDx
Classification: Uncertain significance. Last evaluated: 2026-08-06. Review status: criteria provided, single submitter. Criteria: GeneDx Variant Classification Process June 2021. Collection method: clinical testing. Allele origin: germline.
Comment: Not observed at significant frequency in large population cohorts (gnomAD); In silico analysis supports that this missense variant has a deleterious effect on protein structure/function; Has not been previously published as pathogenic or benign to our knowledge

Ambry Genetics
Classification: Uncertain significance for Inborn genetic diseases. Last evaluated: 2025-05-17. Review status: criteria provided, single submitter. Criteria: Ambry Variant Classification Scheme 2023. Collection method: clinical testing. Allele origin: germline.